The following is an entry in ClinVar:

NM_020937.4(FANCM):c.725T>C (p.Leu242Ser)

Gene: FANCM (FA complementation group M; plus strand). Cytogenetic location: 14q21.2.
Variant type: single nucleotide variant.
Coding change: c.725T>C on transcript NM_020937.4 (MANE Select); coding-DNA position 725, T replaced by C.
Protein change: p.Leu242Ser; replaces leucine 242 with serine.
Molecular consequence: missense variant. On other transcripts: intron variant (1).
Genome position (GRCh38, 1-based): chr14:45,140,675, T>C. VCF-style: chr14-45140675-T-C. GRCh37 (hg19) VCF-style: chr14-45609878-T-C.
Other names: c.725T>C, p.Leu242Ser (NM_001308134.2); c.681+3434T>C (NM_001308133.2); short protein forms L242S.
Identifiers: ClinVar variation 4254736 (VCV004254736.1).

ClinVar aggregate classification (germline): Uncertain significance (1 of 4 stars; one submission).

Conditions:
Inborn genetic diseases. Identifiers: MedGen C0950123, MeSH D030342.

Submission:

Ambry Genetics
Classification: Uncertain significance for Inborn genetic diseases. Last evaluated: 2025-09-04. Review status: criteria provided, single submitter. Criteria: Ambry Variant Classification Scheme 2023. Collection method: clinical testing. Allele origin: germline.
Comment: The p.L242S variant (also known as c.725T>C), located in coding exon 3 of the FANCM gene, results from a T to C substitution at nucleotide position 725. The leucine at codon 242 is replaced by serine, an amino acid with dissimilar properties. This amino acid position is conserved. In addition, this alteration is predicted to be deleterious by in silico analysis. Based on the available evidence, the clinical significance of this variant remains unclear.